The following is an entry in ClinVar:

ClinVar aggregate classification (germline): Uncertain significance. Review status: criteria provided, multiple submitters, no conflicts (2 of 4 stars). 2 submissions from 2 submitters: Uncertain significance (2). Last evaluated 2025-08-04.

Conditions:
Inborn genetic diseases. Identifiers: MedGen C0950123, MeSH D030342.

Allele frequency attached by ClinVar (database versions not stated): gnomAD 0.00001; TOPMed 0.00001; gnomAD exomes 0.00002.
gnomAD v4.1: 19 of 1,244,246 alleles (0.0015%); highest among the groups gnomAD compares: South Asian, 0.0034%; no homozygotes.

Submissions (2):

Ambry Genetics
Classification: Uncertain significance for Inborn genetic diseases. Last evaluated: 2025-08-04. Review status: criteria provided, single submitter. Criteria: Ambry Variant Classification Scheme 2023. Collection method: clinical testing. Allele origin: germline.

Labcorp Genetics (formerly Invitae), Labcorp
Classification: Uncertain significance. Last evaluated: 2023-08-04. Review status: criteria provided, single submitter. Criteria: Invitae Variant Classification Sherloc (09022015). Collection method: clinical testing. Allele origin: germline.
Comment: This variant is not present in population databases (gnomAD no frequency). This sequence change replaces alanine, which is neutral and non-polar, with valine, which is neutral and non-polar, at codon 293 of the HMX1 protein (p.Ala293Val). This variant has not been reported in the literature in individuals affected with HMX1-related conditions. In summary, the available evidence is currently insufficient to determine the role of this variant in disease. Therefore, it has been classified as a Variant of Uncertain Significance. Advanced modeling of protein sequence and biophysical properties (such as structural, functional, and spatial information, amino acid conservation, physicochemical variation, residue mobility, and thermodynamic stability) performed at Invitae indicates that this missense variant is not expected to disrupt HMX1 protein function. ClinVar contains an entry for this variant (Variation ID: 1474542).

NM_018942.3(HMX1):c.878C>T (p.Ala293Val)

Gene: HMX1 (H6 family homeobox 1; minus strand). Cytogenetic location: 4p16.1.
Variant type: single nucleotide variant.
Coding change: c.878C>T on transcript NM_018942.3 (MANE Select); coding-DNA position 878, C replaced by T.
Protein change: p.Ala293Val; replaces alanine 293 with valine.
Molecular consequence: missense variant. On other transcripts: intron variant (1).
Genome position (GRCh38, 1-based): chr4:8,867,862, G>A on the plus strand (C>T on the coding strand, the complement: HMX1 is on the minus strand). VCF-style: chr4-8867862-G-A. GRCh37 (hg19) VCF-style: chr4-8869588-G-A.
Other names: c.394+3359C>T (NM_001306142.2); c.878C>T (NM_018942.2); short protein forms A293V.
Identifiers: ClinVar variation 1474542 (VCV001474542.5), dbSNP rs776532962, ClinGen allele CA2854253.
Genomic context (GRCh38, chr4:8,867,862, plus strand): 5'-GGCGCGGGCGCGGCGGGCGCCAGCGGGAAGGGCAGGGTGGCCGGGGGCCCAGCGGCGGCT[G>A]CGGCCGGGGGGCTTTCGTGGTAGAGCACCGGCACGCGGACCAGGCGCTGCGCTCCCGGCG-3'
Protein context (NP_061815.2, residues 283-303): PVLYHESPPA[Ala293Val]AAAGPPATLP